The following is an entry in ClinVar:

ClinVar aggregate classification (germline): Benign/Likely benign. Review status: criteria provided, multiple submitters, no conflicts (2 of 4 stars). 5 submissions from 5 submitters: Benign (1); Likely benign (3). 1 of the submissions does not count toward it. Last evaluated 2025-12-13.

Conditions:
Genitopatellar syndrome (GTPTS). Also called: Genitopatellar syndrome (GPS); ABSENT PATELLAE, SCROTAL HYPOPLASIA, RENAL ANOMALIES, FACIAL DYSMORPHISM, AND MENTAL RETARDATION. Identifiers: Orphanet 85201, MedGen C1853566, MONDO:0011640, OMIM 606170.
Blepharophimosis - intellectual disability syndrome, SBBYS type (SBBYSS). Also called: Say-Barber-Biesecker variant of Ohdo syndrome (SBBYSS); Say-Barber-Biesecker-Young-Simpson syndrome; Say-Barber-Biesecker-Young-Simpson variant of Ohdo Syndrome; Young Simpson syndrome; Mental retardation unusual facies hypothyroidism; Say-Barber-Biesecker Variant of Ohdo Syndrome. Identifiers: Orphanet 3047, MedGen C1863557, MONDO:0011365, OMIM 603736.
KAT6B-related disorder. Also called: KAT6B-related disorders; KAT6B-related condition.
Inborn genetic diseases. Identifiers: MedGen C0950123, MeSH D030342.

Allele frequency attached by ClinVar (database versions not stated): TOPMed 0.00002; gnomAD 0.00010; gnomAD exomes 0.00035; ExAC 0.00044; 1000 Genomes Project 30x 0.00094; 1000 Genomes Project 0.00120.
gnomAD v4.1: 247 of 1,614,142 alleles (0.015%); highest among the groups gnomAD compares: South Asian, 0.25%; 4 homozygotes.

Submissions (5):

Labcorp Genetics (formerly Invitae), Labcorp
Classification: Likely benign for Genitopatellar syndrome. Last evaluated: 2025-12-13. Review status: criteria provided, single submitter. Criteria: Invitae Variant Classification Sherloc (09022015). Collection method: clinical testing. Allele origin: germline.

Ambry Genetics
Classification: Likely benign for Inborn genetic diseases. Last evaluated: 2024-09-11. Review status: criteria provided, single submitter. Criteria: Ambry Variant Classification Scheme 2023. Collection method: clinical testing. Allele origin: germline.

Fulgent Genetics
Classification: Likely benign for Blepharophimosis - intellectual disability syndrome, SBBYS type; Genitopatellar syndrome. Last evaluated: 2021-07-06. Review status: criteria provided, single submitter. Criteria: ACMG Guidelines, 2015. Collection method: clinical testing. Allele origin: unknown.

GeneDx
Classification: Benign. Last evaluated: 2019-11-08. Review status: criteria provided, single submitter. Criteria: GeneDx Variant Classification Process June 2021. Collection method: clinical testing. Allele origin: germline. Affected: yes.

PreventionGenetics, part of Exact Sciences
Classification: Likely benign for KAT6B-related condition. Last evaluated: 2024-07-30. Review status: no assertion criteria provided. Collection method: clinical testing. Allele origin: germline. Not counted in ClinVar's aggregate classification.
Comment: This variant is classified as likely benign based on ACMG/AMP sequence variant interpretation guidelines (Richards et al. 2015 PMID: 25741868, with internal and published modifications).

NM_012330.4(KAT6B):c.3729G>C (p.Lys1243Asn)

Gene: KAT6B (lysine acetyltransferase 6B; plus strand). Cytogenetic location: 10q22.2.
Variant type: single nucleotide variant.
Coding change: c.3729G>C on transcript NM_012330.4 (MANE Select); coding-DNA position 3729, G replaced by C.
Protein change: p.Lys1243Asn; replaces lysine 1243 with asparagine.
Molecular consequence: missense variant.
Genome position (GRCh38, 1-based): chr10:75,028,553, G>C. VCF-style: chr10-75028553-G-C. GRCh37 (hg19) VCF-style: chr10-76788311-G-C.
Other names: c.3729G>C (NM_012330.2); c.2853G>C, p.Lys951Asn (NM_001370139.1, NM_001370140.1, NM_001370141.1 and 2 more transcripts); c.2664G>C, p.Lys888Asn (NM_001370143.1, NM_001370144.1); c.3180G>C, p.Lys1060Asn (NM_001256468.2, NM_001370138.1); c.2691G>C, p.Lys897Asn (NM_001370132.1); c.2040G>C, p.Lys680Asn (NM_001370133.1); c.1644G>C, p.Lys548Asn (NM_001370134.1); c.1386G>C, p.Lys462Asn (NM_001370135.1); and 1 more; short protein forms K1243N, K897N, K1060N, K680N, K951N, K548N, K888N, K462N.
Identifiers: ClinVar variation 1276110 (VCV001276110.9), dbSNP rs550048327, ClinGen allele CA5564894.